The following is an entry in ClinVar:

NM_006907.4(PYCR1):c.-49A>G

Gene: PYCR1 (pyrroline-5-carboxylate reductase 1; minus strand). Cytogenetic location: 17q25.3.
Variant type: single nucleotide variant.
Coding change: c.-49A>G on transcript NM_006907.4 (MANE Select); 49 bases upstream of the start codon, A replaced by G.
Molecular consequence: 5 prime UTR variant. On other transcripts: splice acceptor variant (4).
Genome position (GRCh38, 1-based): chr17:81,936,863, T>C on the plus strand (A>G on the coding strand, the complement: PYCR1 is on the minus strand). VCF-style: chr17-81936863-T-C. GRCh37 (hg19) VCF-style: chr17-79894739-T-C.
Other names: c.-49A>G (NM_153824.3); c.-47-2A>G (NM_001282279.2, NM_001330523.2, NM_001282280.2); c.35-2A>G (NM_001282281.2).
Identifiers: ClinVar variation 2634314 (VCV002634314.2), dbSNP rs531874252, ClinGen allele CA8845628.

ClinVar aggregate classification (germline): Uncertain significance. Review status: criteria provided, multiple submitters, no conflicts (2 of 4 stars). 2 submissions from 2 submitters: Uncertain significance (2). Last evaluated 2023-04-12.

Conditions:
PYCR1-related disorder. Also called: PYCR1-related condition.
Autosomal recessive cutis laxa type 2B (ARCL2B). Also called: CUTIS LAXA, AUTOSOMAL RECESSIVE, TYPE IIB; CUTIS LAXA WITH PROGEROID FEATURES. Identifiers: Orphanet 357064, MedGen C2751987, MONDO:0013051, OMIM 612940. Disease mechanism: loss of function.
PYCR1-related de Barsy syndrome. Also called: CUTIS LAXA, AUTOSOMAL RECESSIVE, TYPE IIIB; DE BARSY SYNDROME B. Identifiers: Orphanet 293633, Orphanet 2962, MedGen C3280799, MONDO:0013755, OMIM 614438.

Allele frequency attached by ClinVar (database versions not stated): gnomAD 0.00003; TOPMed 0.00003; gnomAD exomes 0.00008; ExAC 0.00010; 1000 Genomes Project 30x 0.00016; 1000 Genomes Project 0.00020.
gnomAD v4.1: 114 of 1,580,584 alleles (0.0072%); highest among the groups gnomAD compares: Middle Eastern, 0.076%; 1 homozygote.

Submissions (2):

PreventionGenetics, part of Exact Sciences
Classification: Uncertain significance for PYCR1-related condition. Last evaluated: 2023-04-12. Review status: criteria provided, single submitter. Criteria: ACMG Guidelines, 2015. Collection method: clinical testing. Allele origin: germline.
Comment: The PYCR1 c.35-2A>G variant is predicted to disrupt the AG splice acceptor site and interfere with normal splicing. Using alternative transcripts, including NM_006907, this variant impacts pre coding regions. To our knowledge, this variant has not been reported in the literature. This variant is reported in 0.036% of alleles in individuals of South Asian descent in gnomAD. At this time, the clinical significance of this variant is uncertain due to the absence of conclusive functional and genetic evidence.

Department of Pathology and Laboratory Medicine, Sinai Health System
Classification: Uncertain significance for Autosomal recessive cutis laxa type 2B; PYCR1-related de Barsy syndrome. Last evaluated: 2023-03-12. Review status: criteria provided, single submitter. Criteria: ACMG Guidelines, 2015. Collection method: research. Allele origin: germline.